The following is an entry in ClinVar:

NM_006206.6(PDGFRA):c.310C>G (p.His104Asp)

Gene: PDGFRA (platelet derived growth factor receptor alpha; plus strand). Cytogenetic location: 4q12.
Variant type: single nucleotide variant.
Coding change: c.310C>G on transcript NM_006206.6 (MANE Select); coding-DNA position 310, C replaced by G.
Protein change: p.His104Asp; replaces histidine 104 with aspartic acid.
Molecular consequence: missense variant.
Genome position (GRCh38, 1-based): chr4:54,261,355, C>G. VCF-style: chr4-54261355-C-G. GRCh37 (hg19) VCF-style: chr4-55127522-C-G.
Other names: c.310C>G, p.His104Asp (NM_001347827.2, NM_001347829.2); c.385C>G, p.His129Asp (NM_001347828.2); c.349C>G, p.His117Asp (NM_001347830.2); short protein forms H104D, H117D, H129D.
Identifiers: ClinVar variation 2039870 (VCV002039870.4), dbSNP rs2475423459, ClinGen allele CA356888897.

ClinVar aggregate classification (germline): Uncertain significance (1 of 4 stars; one submission).

Conditions:
Gastrointestinal stromal tumor. Also called: Gastrointestinal stroma tumor; Gastrointestinal stromal tumor, somatic. Identifiers: Orphanet 44890, MedGen C0238198, MeSH D046152, MONDO:0011719, OMIM 606764, HP:0100723.

gnomAD v4.1: 1 of 1,614,084 alleles (0.000062%); highest among the groups gnomAD compares: Non-Finnish European, 0.000085%; no homozygotes.

Submission:

Labcorp Genetics (formerly Invitae), Labcorp
Classification: Uncertain significance for Gastrointestinal stromal tumor. Last evaluated: 2022-03-13. Review status: criteria provided, single submitter. Criteria: Invitae Variant Classification Sherloc (09022015). Collection method: clinical testing. Allele origin: germline.
Comment: This sequence change replaces histidine, which is basic and polar, with aspartic acid, which is acidic and polar, at codon 104 of the PDGFRA protein (p.His104Asp). This variant is not present in population databases (gnomAD no frequency). This variant has not been reported in the literature in individuals affected with PDGFRA-related conditions. Algorithms developed to predict the effect of missense changes on protein structure and function (SIFT, PolyPhen-2, Align-GVGD) all suggest that this variant is likely to be tolerated. In summary, the available evidence is currently insufficient to determine the role of this variant in disease. Therefore, it has been classified as a Variant of Uncertain Significance.